The following is an entry in ClinVar:

ClinVar aggregate classification (germline): Uncertain significance. Review status: criteria provided, multiple submitters, no conflicts (2 of 4 stars). 2 submissions from 2 submitters: Uncertain significance (2). Last evaluated 2024-08-21.

Conditions:
Inborn genetic diseases. Identifiers: MedGen C0950123, MeSH D030342.
DOCK2 deficiency. Also called: Immunodeficiency 40. Identifiers: Orphanet 447737, MedGen C4225328, MONDO:0014637, OMIM 616433.

Allele frequency attached by ClinVar (database versions not stated): ESP Exome Variant Server 0.00008; TOPMed below 0.00001; ExAC 0.00001; gnomAD 0.00001; gnomAD exomes 0.00001.
gnomAD v4.1: 8 of 1,613,974 alleles (0.0005%); highest among the groups gnomAD compares: Admixed American, 0.0033%; no homozygotes.

Submissions (2):

Ambry Genetics
Classification: Uncertain significance for Inborn genetic diseases. Last evaluated: 2024-08-21. Review status: criteria provided, single submitter. Criteria: Ambry Variant Classification Scheme 2023. Collection method: clinical testing. Allele origin: germline.

Labcorp Genetics (formerly Invitae), Labcorp
Classification: Uncertain significance for DOCK2 deficiency. Last evaluated: 2018-07-28. Review status: criteria provided, single submitter. Criteria: Invitae Variant Classification Sherloc (09022015). Collection method: clinical testing. Allele origin: germline.
Comment: This sequence change replaces isoleucine with threonine at codon 842 of the DOCK2 protein (p.Ile842Thr). The isoleucine residue is highly conserved and there is a moderate physicochemical difference between isoleucine and threonine. In summary, the available evidence is currently insufficient to determine the role of this variant in disease. Therefore, it has been classified as a Variant of Uncertain Significance. Algorithms developed to predict the effect of missense changes on protein structure and function are either unavailable or do not agree on the potential impact of this missense change (SIFT: "Deleterious"; PolyPhen-2: "Benign"; Align-GVGD: "Class C35"). This variant has not been reported in the literature in individuals with DOCK2-related disease. This variant is present in population databases (rs148384873, ExAC 0.01%).

NM_004946.3(DOCK2):c.2525T>C (p.Ile842Thr)

Gene: DOCK2 (dedicator of cytokinesis 2; plus strand). Cytogenetic location: 5q35.1.
Variant type: single nucleotide variant.
Coding change: c.2525T>C on transcript NM_004946.3 (MANE Select); coding-DNA position 2525, T replaced by C.
Protein change: p.Ile842Thr; replaces isoleucine 842 with threonine.
Molecular consequence: missense variant. On other transcripts: non-coding transcript variant (1).
Genome position (GRCh38, 1-based): chr5:169,761,596, T>C. VCF-style: chr5-169761596-T-C. GRCh37 (hg19) VCF-style: chr5-169188600-T-C.
Other names: c.2525T>C, p.Ile842Thr (LRG_1227t1); short protein forms I842T.
Identifiers: ClinVar variation 642484 (VCV000642484.7), dbSNP rs148384873, ClinGen allele CA3553773.